The following is an entry in ClinVar:

ClinVar aggregate classification (germline): Pathogenic/Likely pathogenic. Review status: criteria provided, multiple submitters, no conflicts (2 of 4 stars). 8 submissions from 8 submitters: Pathogenic (6); Likely pathogenic (2). Last evaluated 2026-07-27.

Conditions:
BMPR1A-related disorder. Also called: BMPR1A-related condition.
Juvenile polyposis syndrome (JPS). Identifiers: Orphanet 2929, MedGen C0345893, MONDO:0017380, OMIM 174900.
Hereditary cancer-predisposing syndrome. Also called: Tumor predisposition; Neoplastic Syndromes, Hereditary; Hereditary Cancer Syndrome; Hereditary neoplastic syndrome. Identifiers: Orphanet 140162, MedGen C0027672, MeSH D009386, MONDO:0015356.

Submissions (8):

PreventionGenetics, part of Exact Sciences
Classification: Pathogenic for BMPR1A-related condition. Last evaluated: 2026-07-27. Review status: criteria provided, single submitter. Criteria: ACMG Guidelines, 2015. Collection method: clinical testing. Allele origin: germline.
Comment: The BMPR1A c.1480C>T variant is predicted to result in premature protein termination (p.Arg494*). This variant has been reported in individuals with gastrointestinal polyposis (Ngeow et al. 2013. PubMed ID: 23399955). This variant is absent in a large population database (gnomAD), indicating this variant is rare. This variant resides in the final exon of this gene, and it is unclear if the resulting mRNA would undergo nonsense-mediated decay; however, other loss of function of variants in the terminal exon of BMPR1A have also been reported in individuals with polyposis (see for example: Pyatt et al. 2006. PubMed ID: 16436638). This variant has been classified as pathogenic or likely pathogenic by multiple independent submitters to the ClinVar database (Variation ID: 183720). Given the evidence, we interpret this variant as pathogenic.

Women's Health and Genetics/Laboratory Corporation of America, LabCorp
Classification: Pathogenic for Juvenile polyposis syndrome. Last evaluated: 2025-07-14. Review status: criteria provided, single submitter. Criteria: LabCorp Variant Classification Summary - May 2015. Collection method: clinical testing. Allele origin: germline.
Comment: Variant summary: BMPR1A c.1480C>T (p.Arg494X) results in a premature termination codon, predicted to cause a truncation of the encoded protein, however it is not expected to result in nonsense mediated decay. The frequency data for this variant in gnomAD is considered unreliable, as metrics indicate poor data quality at this position. c.1480C>T has been observed in the presumed heterozygous state in individual(s) affected with clinical features of Juvenile Polyposis Syndrome (Ngeow_2013). These report(s) do not provide unequivocal conclusions about association of the variant with Juvenile Polyposis Syndrome. A downstream variant c.1511G>A, p.Trp504* has been determined to be likely pathogenic/pathogenic by our laboratory, suggesting that loss of this region of the protein is deleterious. To our knowledge, no experimental evidence demonstrating an impact on protein function has been reported. The following publications have been ascertained in the context of this evaluation (PMID: 33087929, 23700467, 29844865, 23399955, 37400896). ClinVar contains an entry for this variant (Variation ID: 183720). Based on the evidence outlined above, the variant was classified as pathogenic.

Ambry Genetics
Classification: Pathogenic for Hereditary cancer-predisposing syndrome. Last evaluated: 2025-06-17. Review status: criteria provided, single submitter. Criteria: Ambry Variant Classification Scheme 2023. Collection method: clinical testing. Allele origin: germline.
Comment: The p.R494* pathogenic mutation (also known as c.1480C>T), located in coding exon 11 of the BMPR1A gene, results from a C to T substitution at nucleotide position 1480. This changes the amino acid from an arginine to a stop codon within coding exon 11. This mutation has been identified in individuals with a history of juvenile and hamartomatous colon polyps (Ngeow J et al. Gastroenterology 2013 Jun;144:1402-9; Ambry internal data). This variant is considered to be rare based on population cohorts in the Genome Aggregation Database (gnomAD). In addition to the clinical data presented in the literature, this alteration is expected to result in loss of function by premature protein truncation. As such, this alteration is interpreted as a disease-causing mutation.

CeGaT Center for Human Genetics Tuebingen
Classification: Likely pathogenic. Last evaluated: 2025-06-01. Review status: criteria provided, single submitter. Criteria: CeGaT Center For Human Genetics Tuebingen Variant Classification Criteria Version 2. Collection method: clinical testing. Allele origin: germline. Affected: yes. Observed: 1 variant allele.
Comment: BMPR1A: PM2, PS4:Moderate, PVS1:Moderate

Labcorp Genetics (formerly Invitae), Labcorp
Classification: Pathogenic for Juvenile polyposis syndrome. Last evaluated: 2024-07-09. Review status: criteria provided, single submitter. Criteria: Invitae Variant Classification Sherloc (09022015). Collection method: clinical testing. Allele origin: germline.
Comment: This sequence change creates a premature translational stop signal (p.Arg494*) in the BMPR1A gene. While this is not anticipated to result in nonsense mediated decay, it is expected to disrupt the last 39 amino acid(s) of the BMPR1A protein. This variant is not present in population databases (gnomAD no frequency). This premature translational stop signal has been observed in individual(s) with juvenile polyposis (PMID: 23399955). ClinVar contains an entry for this variant (Variation ID: 183720). RNA analysis performed to evaluate the impact of this premature translational stop signal on mRNA splicing indicates it does not significantly alter splicing (Invitae). This variant disrupts a region of the BMPR1A protein in which other variant(s) (p.Trp504*) have been determined to be pathogenic (Invitae). This suggests that this is a clinically significant region of the protein, and that variants that disrupt it are likely to be disease-causing. For these reasons, this variant has been classified as Pathogenic.

Myriad Genetics, Inc.
Classification: Pathogenic for Juvenile polyposis syndrome. Last evaluated: 2023-05-30. Review status: criteria provided, single submitter. Criteria: Myriad Autosomal Dominant, Autosomal Recessive and X-Linked Classification Criteria (2023). Collection method: clinical testing. Allele origin: unknown.
Comment: This variant is considered pathogenic. This variant creates a termination codon and is predicted to result in premature protein truncation.

Color Diagnostics, LLC DBA Color Health
Classification: Pathogenic for Hereditary cancer-predisposing syndrome. Last evaluated: 2020-05-26. Review status: criteria provided, single submitter. Criteria: ACMG Guidelines, 2015. Collection method: clinical testing. Allele origin: germline.
Comment: This variant changes 1 nucleotide in exon 13 of the BMPR1A gene, creating a premature translation stop signal in the last coding exon. This variant causes the deletion of the last 39 amino acids from the BMPR1A protein, including the C-terminal portion of the kinase domain (PMID: 8397373). To our knowledge, functional studies have not been reported for this variant. This variant has been observed in two individuals affected with juvenile polyposis (PMID: 23399955). This variant has not been identified in the general population by the Genome Aggregation Database (gnomAD). Loss of BMPR1A function is a known mechanism of disease. Based on the available evidence, this variant is classified as Pathogenic.

GeneDx
Classification: Likely pathogenic. Last evaluated: 2019-06-18. Review status: criteria provided, single submitter. Criteria: GeneDx Variant Classification Process June 2021. Collection method: clinical testing. Allele origin: germline. Affected: yes.
Comment: Not observed in large population cohorts (Lek et al., 2016); Nonsense variant predicted to result in protein truncation, although loss-of-function variants have not been reported downstream of this position in the protein; This variant is associated with the following publications: (PMID: 23399955, 27119594)

Literature cited by the submitters: PubMed 23399955 (cited by 3 submitters); PubMed 23700467 (cited by Women's Health and Genetics/Laboratory Corporation of America, LabCorp); PubMed 37400896 (cited by Women's Health and Genetics/Laboratory Corporation of America, LabCorp); PubMed 33087929 (cited by Women's Health and Genetics/Laboratory Corporation of America, LabCorp); PubMed 29844865 (cited by Women's Health and Genetics/Laboratory Corporation of America, LabCorp).

NM_004329.3(BMPR1A):c.1480C>T (p.Arg494Ter)

Gene: BMPR1A (bone morphogenetic protein receptor type 1A; plus strand). Cytogenetic location: 10q23.2.
Variant type: single nucleotide variant.
Coding change: c.1480C>T on transcript NM_004329.3 (MANE Select); coding-DNA position 1480, C replaced by T.
Protein change: p.Arg494Ter; replaces arginine 494 with a stop codon.
Molecular consequence: nonsense.
Genome position (GRCh38, 1-based): chr10:86,923,600, C>T. VCF-style: chr10-86923600-C-T. GRCh37 (hg19) VCF-style: chr10-88683357-C-T.
Other names: short protein forms R494*.
Identifiers: ClinVar variation 183720 (VCV000183720.30), dbSNP rs786201040, ClinGen allele CA186232.
Genomic context (GRCh38, chr10:86,923,600, plus strand): 5'-CGTAAATGCCACCAAATATATTCTCTGCTCACTGAACATCTCTTTACTTTTCAGTGTCTA[C>T]GAGCAGTTTTGAAGCTAATGTCAGAATGCTGGGCCCACAATCCAGCCTCCAGACTCACAG-3'